The following is an entry in ClinVar:

NM_017882.3(CLN6):c.92C>G (p.Ser31Cys)

Gene: CLN6 (CLN6 transmembrane ER protein; minus strand). Cytogenetic location: 15q23.
Variant type: single nucleotide variant.
Coding change: c.92C>G on transcript NM_017882.3 (MANE Select); coding-DNA position 92, C replaced by G.
Protein change: p.Ser31Cys; replaces serine 31 with cysteine.
Molecular consequence: missense variant.
Genome position (GRCh38, 1-based): chr15:68,218,642, G>C on the plus strand (C>G on the coding strand, the complement: CLN6 is on the minus strand). VCF-style: chr15-68218642-G-C. GRCh37 (hg19) VCF-style: chr15-68510980-G-C.
Other names: short protein forms S31C.
Identifiers: ClinVar variation 1513162 (VCV001513162.6), dbSNP rs2141145171, ClinGen allele CA392975955.

ClinVar aggregate classification (germline): Uncertain significance (1 of 4 stars; one submission).

Conditions:
Neuronal ceroid lipofuscinosis. Also called: Neuronal Ceroid Lipofuscinoses. Identifiers: Orphanet 216, Orphanet 79263, MedGen C0027877, MONDO:0016295. Disease mechanism: loss of function.

Allele frequency attached by ClinVar (database versions not stated): gnomAD exomes below 0.00001.
gnomAD v4.1: 1 of 1,613,272 alleles (0.000062%); highest among the groups gnomAD compares: Non-Finnish European, 0.000085%; no homozygotes.

Submission:

Labcorp Genetics (formerly Invitae), Labcorp
Classification: Uncertain significance for Neuronal ceroid lipofuscinosis. Last evaluated: 2021-08-16. Review status: criteria provided, single submitter. Criteria: Invitae Variant Classification Sherloc (09022015). Collection method: clinical testing. Allele origin: germline.
Comment: In summary, the available evidence is currently insufficient to determine the role of this variant in disease. Therefore, it has been classified as a Variant of Uncertain Significance. Algorithms developed to predict the effect of missense changes on protein structure and function are either unavailable or do not agree on the potential impact of this missense change (SIFT: "Deleterious"; PolyPhen-2: "Possibly Damaging"; Align-GVGD: "Class C15"). This variant has not been reported in the literature in individuals affected with CLN6-related conditions. This variant is not present in population databases (ExAC no frequency). This sequence change replaces serine with cysteine at codon 31 of the CLN6 protein (p.Ser31Cys). The serine residue is highly conserved and there is a moderate physicochemical difference between serine and cysteine.